The following is an entry in ClinVar:

NM_005655.4(KLF10):c.80T>C (p.Met27Thr)

Gene: KLF10 (KLF transcription factor 10; minus strand). Cytogenetic location: 8q22.3.
Variant type: single nucleotide variant.
Coding change: c.80T>C on transcript NM_005655.4 (MANE Select); coding-DNA position 80, T replaced by C.
Protein change: p.Met27Thr; replaces methionine 27 with threonine.
Molecular consequence: missense variant. On other transcripts: non-coding transcript variant (2).
Genome position (GRCh38, 1-based): chr8:102,652,354, A>G on the plus strand (T>C on the coding strand, the complement: KLF10 is on the minus strand). VCF-style: chr8-102652354-A-G. GRCh37 (hg19) VCF-style: chr8-103664582-A-G.
Other names: p.Met27Thr; c.47T>C, p.Met16Thr (NM_001032282.4); c.80T>C (NM_005655.3); short protein forms M16T, M27T.
Identifiers: ClinVar variation 1408584 (VCV001408584.10), dbSNP rs774628266, ClinGen allele CA4833695.

ClinVar aggregate classification (germline): Uncertain significance. Review status: criteria provided, multiple submitters, no conflicts (2 of 4 stars). 3 submissions from 3 submitters: Uncertain significance (3). Last evaluated 2025-10-30.

Allele frequency attached by ClinVar (database versions not stated): gnomAD exomes 0.00007 and 0.00018; ExAC 0.00008; TOPMed 0.00012; gnomAD 0.00015.
gnomAD v4.1: 281 of 1,610,578 alleles (0.017%); highest among the groups gnomAD compares: Non-Finnish European, 0.022%; no homozygotes.

Submissions (3):

Labcorp Genetics (formerly Invitae), Labcorp
Classification: Uncertain significance. Last evaluated: 2025-10-30. Review status: criteria provided, single submitter. Criteria: Invitae Variant Classification Sherloc (09022015). Collection method: clinical testing. Allele origin: germline.
Comment: This sequence change replaces methionine, which is neutral and non-polar, with threonine, which is neutral and polar, at codon 27 of the KLF10 protein (p.Met27Thr). This variant is present in population databases (rs774628266, gnomAD 0.02%). This missense change has been observed in individual(s) with cardiomyopathy (PMID: 22234868, 30165862). ClinVar contains an entry for this variant (Variation ID: 1408584). An algorithm developed to predict the effect of missense changes on protein structure and function (PolyPhen-2) suggests that this variant is likely to be tolerated. Experimental studies are conflicting or provide insufficient evidence to determine the effect of this variant on KLF10 function (PMID: 22234868). In summary, the available evidence is currently insufficient to determine the role of this variant in disease. Therefore, it has been classified as a Variant of Uncertain Significance.

Clinical Genomics Laboratory, Stanford Medicine
Classification: Uncertain significance. Last evaluated: 2021-07-13. Review status: criteria provided, single submitter. Criteria: ACMG Guidelines, 2015. Collection method: clinical testing. Allele origin: germline. Affected: yes. Observed: 1 heterozygote.
Comment: Functional studies of the p.Met27Thr variant in fibroblasts revealed that this variant did not significantly alter SMAD7promoter activity butdid significantly alter PTTG1promoter activity (Bos et al., 2012). The implication of these functional study results is unclear. This varianthas been identified in 22/282,264chromosomes by the Genome Aggregation Database. Although this variant has been seen in the general population, it has not been observed at a frequency high enough to rule out pathogenicity. The methionine at position 27ispoorly conserved. Computational tools do not predict that the p.Met27Thrvariant impacts protein function; however, the accuracy of in silicoalgorithms is limited. These data were assessed using the ACMG/AMP variant interpretation guidelines. In summary, the significance of thep.Met27Thrvariant is uncertain. Additional information is needed to resolve the significance of this variant. [ACMG evidence codes used:BP5]

Revvity Omics, Revvity
Classification: Uncertain significance. Last evaluated: 2019-06-12. Review status: criteria provided, single submitter. Criteria: ACMG Guidelines, 2015. Collection method: clinical testing. Allele origin: germline.

Literature cited by the submitters: PubMed 22234868 (cited by Labcorp Genetics (formerly Invitae), Labcorp); PubMed 30165862 (cited by Labcorp Genetics (formerly Invitae), Labcorp).